The following is an entry in ClinVar:

NM_001048174.2(MUTYH):c.1392+18T>C

Gene: MUTYH (mutY DNA glycosylase; minus strand). Cytogenetic location: 1p34.1.
Variant type: single nucleotide variant.
Coding change: c.1392+18T>C on transcript NM_001048174.2 (MANE Select); 18 bases into the intron after coding-DNA position 1392, T replaced by C.
Molecular consequence: intron variant.
Genome position (GRCh38, 1-based): chr1:45,331,164, A>G on the plus strand (T>C on the coding strand, the complement: MUTYH is on the minus strand). VCF-style: chr1-45331164-A-G. GRCh37 (hg19) VCF-style: chr1-45796836-A-G.
Other names: c.1047+18T>C (NM_001350651.2, NM_001350650.2); c.1116+18T>C (NM_001293192.2, NM_001293196.2); c.1392+18T>C (NM_001048171.2, NM_001048173.2, NM_001293195.2); c.1437+18T>C (NM_001293190.2); c.1467+18T>C (NM_012222.3); c.1476+18T>C (NM_001128425.2); c.1395+18T>C (NM_001048172.2); c.1425+18T>C (NM_001293191.2).
Identifiers: ClinVar variation 387683 (VCV000387683.8), dbSNP rs1057522867, ClinGen allele CA16603723.

ClinVar aggregate classification (germline): Likely benign. Review status: criteria provided, multiple submitters, no conflicts (2 of 4 stars). 2 submissions from 2 submitters: Likely benign (2). Last evaluated 2024-12-04.

Conditions:
Familial adenomatous polyposis 2. Also called: ADENOMAS, MULTIPLE COLORECTAL, AUTOSOMAL RECESSIVE; MYH-associated polyposis; Adenomas, multiple colorectal; MUTYH Polyposis; COLORECTAL ADENOMATOUS POLYPOSIS, AUTOSOMAL RECESSIVE; FAP type 2. Identifiers: Orphanet 220460, Orphanet 247798, MedGen C3272841, MONDO:0012041, OMIM 608456.

Submissions (2):

Labcorp Genetics (formerly Invitae), Labcorp
Classification: Likely benign for Familial adenomatous polyposis 2. Last evaluated: 2024-12-04. Review status: criteria provided, single submitter. Criteria: Invitae Variant Classification Sherloc (09022015). Collection method: clinical testing. Allele origin: germline.

GeneDx
Classification: Likely benign. Last evaluated: 2016-07-15. Review status: criteria provided, single submitter. Criteria: GeneDx Variant Classification (06012015). Collection method: clinical testing. Allele origin: germline. Affected: yes.
Comment: This variant is considered likely benign or benign based on one or more of the following criteria: it is a conservative change, it occurs at a poorly conserved position in the protein, it is predicted to be benign by multiple in silico algorithms, and/or has population frequency not consistent with disease.